The following is an entry in ClinVar:

NM_001009944.3(PKD1):c.4457T>C (p.Leu1486Pro)

Gene: PKD1 (polycystin 1, transient receptor potential channel interacting; minus strand). Cytogenetic location: 16p13.3.
Variant type: single nucleotide variant.
Coding change: c.4457T>C on transcript NM_001009944.3 (MANE Select); coding-DNA position 4457, T replaced by C.
Protein change: p.Leu1486Pro; replaces leucine 1486 with proline.
Molecular consequence: missense variant.
Genome position (GRCh38, 1-based): chr16:2,110,710, A>G on the plus strand (T>C on the coding strand, the complement: PKD1 is on the minus strand). VCF-style: chr16-2110710-A-G. GRCh37 (hg19) VCF-style: chr16-2160711-A-G.
Other names: c.4457T>C, p.Leu1486Pro (NM_000296.4); short protein forms L1486P.
Identifiers: ClinVar variation 3894537 (VCV003894537.1).

ClinVar aggregate classification (germline): Uncertain significance (1 of 4 stars; one submission).

Conditions:
Polycystic kidney disease, adult type (PKD1). Also called: POLYCYSTIC KIDNEY DISEASE 1 WITH OR WITHOUT POLYCYSTIC LIVER DISEASE; POLYCYSTIC KIDNEY DISEASE, ADULT, TYPE I; Polycystic Kidney Disease 1, Autosomal Dominant; Polycystic kidney disease 1; Polycystic kidney disease 1, severe; Polycystic Kidney, Autosomal Dominant. Identifiers: MedGen C3149841, MONDO:0008263, OMIM 173900.

Submission:

MVZ Medizinische Genetik Mainz
Classification: Uncertain significance for Polycystic kidney disease, adult type. Last evaluated: 2025-04-15. Review status: criteria provided, single submitter. Criteria: UK Practice Guidelines For Variant Classification V4 01 2020. Collection method: clinical testing. Allele origin: germline. Inheritance: Autosomal dominant inheritance. Affected: yes. Observed: 1 variant allele.
Comment: ACMG Criteria: PM2_SUP,PP4